The following is an entry in ClinVar:

ClinVar aggregate classification (germline): Pathogenic (1 of 4 stars; one submission).

Conditions:
Hereditary cancer-predisposing syndrome. Also called: Neoplastic Syndromes, Hereditary; Hereditary Cancer Syndrome; Tumor predisposition; Hereditary neoplastic syndrome. Identifiers: Orphanet 140162, MedGen C0027672, MeSH D009386, MONDO:0015356.

Submission:

Ambry Genetics
Classification: Pathogenic for Hereditary cancer-predisposing syndrome. Last evaluated: 2016-11-04. Review status: criteria provided, single submitter. Criteria: Ambry Variant Classification Scheme 2023. Collection method: clinical testing. Allele origin: germline.
Comment: The c.6748dupA pathogenic mutation, located in coding exon 45 of the ATM gene, results from a duplication of A at nucleotide position 6748, causing a translational frameshift with a predicted alternate stop codon. This alteration is expected to result in loss of function by premature protein truncation or nonsense-mediated mRNA decay. As such, this alteration is interpreted as a disease-causing mutation.

NM_000051.4(ATM):c.6748dup (p.Ile2250fs)

Genes: C11orf65 (chromosome 11 open reading frame 65; minus strand), ATM (ATM serine/threonine kinase; plus strand). Cytogenetic location: 11q22.3.
Variant type: Duplication.
Coding change: c.6748dup on transcript NM_000051.4 (MANE Select); coding-DNA position 6748, one base duplicated (A; older notation c.6748dupA).
Protein change: p.Ile2250fs; shifts the reading frame from isoleucine 2250.
Molecular consequence: frameshift variant. On other transcripts: intron variant (2).
Genome position (GRCh38, 1-based): chr11:108,325,485, A duplicated. VCF-style (leftmost placement, unchanged base first): chr11-108325484-C-CA. GRCh37 (hg19) VCF-style: chr11-108196211-C-CA.
Other names: c.6748dup, p.Ile2250fs (NM_001351834.2); c.641-16414dup (NM_001330368.2); c.*38+9735dup (NM_001351110.2); c.6748dupA (NM_000051.3); short protein forms I2250fs.
Identifiers: ClinVar variation 485210 (VCV000485210.7), dbSNP rs1555119247, ClinGen allele CA658656266.
Genomic context (GRCh38, chr11:108,325,484, plus strand): 5'-CATTTTGGAGATCCTGATGGAAAAGGAAATGGACAACTCACAAAGAGAATGTATTAAGGA[C>CA]ATTCTCACCAAACACCTTGTAGAACTCTCTATACTGGCCAGAACTTTCAAGAACACTCAG-3'